The following is an entry in ClinVar:

NM_003900.5(SQSTM1):c.1005_1006insC (p.Asp336fs)

Gene: SQSTM1 (sequestosome 1; plus strand). Cytogenetic location: 5q35.3.
Variant type: Insertion.
Coding change: c.1005_1006insC on transcript NM_003900.5 (MANE Select); coding-DNA positions 1005 to 1006, C inserted.
Protein change: p.Asp336fs; shifts the reading frame from aspartic acid 336.
Molecular consequence: frameshift variant.
Genome position: GRCh38 VCF-style: chr5-179833622-T-TC. GRCh37 (hg19) VCF-style: chr5-179260622-T-TC.
Other names: c.753_754insC, p.Asp252fs (NM_001142298.2, NM_001142299.2); short protein forms D252fs, D336fs.
Identifiers: ClinVar variation 3032118 (VCV003032118.2), dbSNP rs2480247551, ClinGen allele CA2740094216.

ClinVar aggregate classification (germline): Likely pathogenic (0 of 4 stars; one submission).

Conditions:
SQSTM1-related disorder. Also called: SQSTM1-Related Disorders.

Submission:

PreventionGenetics, part of Exact Sciences
Classification: Likely pathogenic for SQSTM1-related condition. Last evaluated: 2023-10-19. Review status: no assertion criteria provided. Collection method: clinical testing. Allele origin: germline.
Comment: The SQSTM1 c.1005_1006insC variant is predicted to result in a frameshift and premature protein termination (p.Asp336Argfs*2). To our knowledge, this variant has not been reported in the literature or in a large population database, indicating this variant is rare. Frameshift variants in SQSTM1 are expected to be pathogenic and protein-truncating variants have been reported upstream and downstream of this variant (HGMD, ClinVar). This variant is interpreted as likely pathogenic.